The following is an entry in ClinVar:

NM_000169.3(GLA):c.639+852_639+855del

Genes: GLA (galactosidase alpha; minus strand), RPL36A-HNRNPH2 (RPL36A-HNRNPH2 readthrough; plus strand). Cytogenetic location: Xq22.1.
Variant type: Deletion.
Coding change: c.639+852_639+855del on transcript NM_000169.3 (MANE Select); bases 852 to 855 of the intron after coding-DNA position 639, 4 bases deleted (AATT; older notation c.639+852_639+855delAATT).
Molecular consequence: intron variant.
Genome position (GRCh38, 1-based): chrX:101,399,811-101,399,814, AATT deleted on the plus strand (AATT on the coding strand, the reverse complement: GLA is on the minus strand); deleting any 4 consecutive bases within chrX:101,399,811-101,399,816 gives the same sequence; the c. name uses the placement nearest the transcript's 3' end. VCF-style (leftmost placement, unchanged base first): chrX-101399810-AAATT-A. GRCh37 (hg19) VCF-style: chrX-100654798-AAATT-A.
Other names: c.300+4356_300+4359del (NM_001199973.2); c.177+7991_177+7994del (NM_001199974.2); c.762+852_762+855del (NM_001406747.1); c.639+852_639+855del (NM_001406748.1).
Identifiers: ClinVar variation 1177261 (VCV001177261.4), dbSNP rs782584102, ClinGen allele CA517520238.

ClinVar aggregate classification (germline): Conflicting classifications of pathogenicity. Review status: criteria provided, conflicting classifications (1 of 4 stars). 4 submissions from 4 submitters: Uncertain significance (1); Likely benign (2). 1 of the submissions does not count toward it. Last evaluated 2026-09-08.

Conditions:
Fabry disease. Also called: Fabry's disease; Angiokeratoma corporis diffusum; Ceramide trihexosidosis; GLA DEFICIENCY; HEREDITARY DYSTOPIC LIPIDOSIS; ALPHA-GALACTOSIDASE A DEFICIENCY. Identifiers: Orphanet 324, MedGen C0002986, MONDO:0010526, OMIM 301500, HP:0001071. Disease mechanism: Fabry disease is due to inactivating mutations in the X-linked GLA gene resulting in deficiency of the enzyme Alpha Galactosidase-A., loss of function.
GLA-related disorder. Also called: GLA-related condition.

Submissions (4):

Genomenon, Inc
Classification: Likely benign for Fabry disease. Last evaluated: 2026-09-08. Review status: criteria provided, single submitter. Criteria: Genomenon Sequence Variant Interpretation Standards - Updated. Collection method: curation. Allele origin: germline. Affected: no.
Comment: GLA c.639+852_639+855del is a deletion variant located in intron 4. This variant has been reported in the published literature (PMID:39336803). It is absent or not present at a significant frequency in gnomAD. This variant is not predicted to impact splicing. In conclusion, we classify GLA c.639+852_639+855del as a likely benign variant.

Blueprint Genetics
Classification: Likely benign. Last evaluated: 2022-12-13. Review status: criteria provided, single submitter. Criteria: ACMG Guidelines, 2015. Collection method: clinical testing. Allele origin: germline.

Women's Health and Genetics/Laboratory Corporation of America, LabCorp
Classification: Uncertain significance. Last evaluated: 2021-07-02. Review status: criteria provided, single submitter. Criteria: LabCorp Variant Classification Summary - May 2015. Collection method: clinical testing. Allele origin: germline.
Comment: Variant summary: GLA c.639+852_639+855delAATT is located at a position not widely known to affect splicing. 4/4 computational tools predict no significant impact on normal splicing. However, these predictions have yet to be confirmed by functional studies. The variant allele was found at a frequency of 3.6e-05 in 111965 control chromosomes (gnomAD v3). The available data on variant occurrences in the general population are insufficient to allow any conclusion about variant significance. To our knowledge, no occurrence of c.639+852_639+855delAATT in individuals affected with Fabry Disease and no experimental evidence demonstrating its impact on protein function have been reported. No clinical diagnostic laboratories have submitted clinical-significance assessments for this variant to ClinVar after 2014. Based on the evidence outlined above, the variant was classified as uncertain significance.

PreventionGenetics, part of Exact Sciences
Classification: Uncertain significance for GLA-related condition. Last evaluated: 2024-05-31. Review status: no assertion criteria provided. Collection method: clinical testing. Allele origin: germline. Not counted in ClinVar's aggregate classification.
Comment: The GLA c.639+852_639+855delAATT variant is predicted to result in an intronic deletion. To our knowledge, this variant has not been reported in the literature or in a large population database, indicating this variant is rare. This variant is not predicted to change splice site (SpliceAI, Jaganathan et al. 2019. PubMed ID: 30661751). This variant is interpreted as variant of uncertain significance in ClinVar. Although we suspect that this variant may be benign, at this time, the clinical significance of this variant is uncertain due to the absence of conclusive functional and genetic evidence.

Literature cited by the submitters: PubMed 39336803 (cited by Genomenon, Inc).